The following is an entry in ClinVar:

NM_001111125.3(IQSEC2):c.1061T>C (p.Ile354Thr)

Gene: IQSEC2 (IQ motif and Sec7 domain ArfGEF 2; minus strand). Cytogenetic location: Xp11.22.
Variant type: single nucleotide variant.
Coding change: c.1061T>C on transcript NM_001111125.3 (MANE Select); coding-DNA position 1061, T replaced by C.
Protein change: p.Ile354Thr; replaces isoleucine 354 with threonine.
Molecular consequence: missense variant.
Genome position (GRCh38, 1-based): chrX:53,254,870, A>G on the plus strand (T>C on the coding strand, the complement: IQSEC2 is on the minus strand). VCF-style: chrX-53254870-A-G. GRCh37 (hg19) VCF-style: chrX-53284052-A-G.
Other names: c.1061T>C, p.Ile354Thr (NM_001410736.1, NM_001441092.1); c.563T>C, p.Ile188Thr (NM_001441093.1); c.350T>C, p.Ile117Thr (NM_001441094.1, NM_001441095.1); c.446T>C, p.Ile149Thr (NM_015075.2); short protein forms I117T, I149T, I188T, I354T.
Identifiers: ClinVar variation 4293643 (VCV004293643.1).

ClinVar aggregate classification (germline): Uncertain significance (1 of 4 stars; one submission).

Conditions:
Intellectual developmental disorder, X-linked 1. Also called: Atkin Flaitz Patil Smith syndrome; MENTAL RETARDATION, X-LINKED 18; MENTAL RETARDATION, X-LINKED 78; Intellectual disability, X-linked 1. Identifiers: Orphanet 777, MedGen C2931498, MONDO:0010656, OMIM 309530.

Submission:

3billion
Classification: Uncertain significance for Intellectual developmental disorder, X-linked 1. Last evaluated: 2024-06-25. Review status: criteria provided, single submitter. Criteria: ACMG Guidelines, 2015. Collection method: clinical testing. Allele origin: germline. Affected: yes.
Comment: The variant is not observed in the gnomAD v4.0.0 dataset. Predicted Consequence/Location: Missense variant In silico tool predictions suggest damaging effect of the variant on gene or gene product [REVEL: 0.72 (>=0.6, sensitivity 0.68 and specificity 0.92)]. Therefore, this variant is classified as VUS according to the recommendation of ACMG/AMP guideline.